The following is an entry in ClinVar:

ClinVar aggregate classification (germline): Uncertain significance (1 of 4 stars; one submission).

Conditions:
Ehlers-Danlos syndrome, classic type, 1 (EDSCL1). Also called: EDS I; EHLERS-DANLOS SYNDROME, GRAVIS TYPE; EHLERS-DANLOS SYNDROME, SEVERE CLASSIC TYPE; Ehlers-Danlos Syndrome, Classic Type, COL5A1-Related; Ehlers-Danlos syndrome, type 1. Identifiers: MedGen C0268335, MONDO:0019567, OMIM 130000.

Submission:

Labcorp Genetics (formerly Invitae), Labcorp
Classification: Uncertain significance for Ehlers-Danlos syndrome, classic type, 1. Last evaluated: 2018-10-07. Review status: criteria provided, single submitter. Criteria: Invitae Variant Classification Sherloc (09022015). Collection method: clinical testing. Allele origin: germline.
Comment: In summary, the available evidence is currently insufficient to determine the role of this variant in disease. Therefore, it has been classified as a Variant of Uncertain Significance. Algorithms developed to predict the effect of sequence changes on RNA splicing suggest that this variant may disrupt the consensus splice site, but this prediction has not been confirmed by published transcriptional studies. This variant has not been reported in the literature in individuals with COL5A1-related disease. This variant is not present in population databases (ExAC no frequency). This sequence change falls in intron 8 of the COL5A1 gene. It does not directly change the encoded amino acid sequence of the COL5A1 protein.

NM_000093.5(COL5A1):c.1333-6_1333-5insAGATTGTC

Gene: COL5A1 (collagen type V alpha 1 chain; plus strand). Cytogenetic location: 9q34.3.
Variant type: Insertion.
Coding change: c.1333-6_1333-5insAGATTGTC on transcript NM_000093.5 (MANE Select); 6 bases into the intron before coding-DNA position 1333 through 5 bases into the intron before coding-DNA position 1333, AGATTGTC inserted.
Molecular consequence: intron variant.
Genome position: GRCh38 VCF-style: chr9-134732064-C-CCAGATTGT. GRCh37 (hg19) VCF-style: chr9-137623910-C-CCAGATTGT.
Other names: c.1333-6_1333-5insAGATTGTC (NM_001278074.1).
Identifiers: ClinVar variation 659615 (VCV000659615.10), dbSNP rs1588481731, ClinGen allele CA915947281.